The following is an entry in ClinVar:

ClinVar aggregate classification (germline): Uncertain significance. Review status: criteria provided, multiple submitters, no conflicts (2 of 4 stars). 2 submissions from 2 submitters: Uncertain significance (2). Last evaluated 2026-02-27.

Allele frequency attached by ClinVar (database versions not stated): ExAC 0.00002; gnomAD exomes 0.00004 and 0.00010; gnomAD 0.00006 and 0.00007; TOPMed 0.00006.
gnomAD v4.1: 167 of 1,613,236 alleles (0.01%); highest among the groups gnomAD compares: Non-Finnish European, 0.013%; no homozygotes.

Submissions (2):

Women's Health and Genetics/Laboratory Corporation of America, LabCorp
Classification: Uncertain significance. Last evaluated: 2026-02-27. Review status: criteria provided, single submitter. Criteria: LabCorp Variant Classification Summary - May 2015. Collection method: clinical testing. Allele origin: germline.
Comment: Variant summary: CYP2R1 c.235T>A (p.Leu79Ile) results in a conservative amino acid change in the encoded protein sequence. Algorithms developed to predict the effect of missense changes on protein structure and function are either unavailable or do not agree on the potential impact of this missense change. The variant allele was found at a frequency of 4.4e-05 in 251060 control chromosomes (gnomAD). This frequency is not significantly higher than estimated for disease-causing variants in CYP2R1, allowing no conclusion about variant significance. c.235T>A has been observed in one individual affected with X-linked hypophosphatemia (Rush_2022). The report does not provide unequivocal conclusions about association of the variant with Vitamin D Hydroxylation-Deficient Rickets, Type 1B. To our knowledge, no experimental evidence demonstrating an impact on protein function has been reported. The following publications have been ascertained in the context of this evaluation (PMID: 40278307, 34633109). ClinVar contains an entry for this variant (Variation ID: 847396). Based on the evidence outlined above, the variant was classified as uncertain significance.

Labcorp Genetics (formerly Invitae), Labcorp
Classification: Uncertain significance. Last evaluated: 2019-11-25. Review status: criteria provided, single submitter. Criteria: Invitae Variant Classification Sherloc (09022015). Collection method: clinical testing. Allele origin: germline.
Comment: In summary, the available evidence is currently insufficient to determine the role of this variant in disease. Therefore, it has been classified as a Variant of Uncertain Significance. Algorithms developed to predict the effect of missense changes on protein structure and function (SIFT, PolyPhen-2, Align-GVGD) all suggest that this variant is likely to be tolerated, but these predictions have not been confirmed by published functional studies and their clinical significance is uncertain. This variant has not been reported in the literature in individuals with CYP2R1-related conditions. This variant is present in population databases (rs782776278, ExAC 0.005%). This sequence change replaces leucine with isoleucine at codon 79 of the CYP2R1 protein (p.Leu79Ile). The leucine residue is highly conserved and there is a small physicochemical difference between leucine and isoleucine.

Literature cited by the submitters: PubMed 34633109 (cited by Women's Health and Genetics/Laboratory Corporation of America, LabCorp); PubMed 40278307 (cited by Women's Health and Genetics/Laboratory Corporation of America, LabCorp).

NM_024514.5(CYP2R1):c.235T>A (p.Leu79Ile)

Genes: CYP2R1 (cytochrome P450 family 2 subfamily R member 1; minus strand), PDE3B (phosphodiesterase 3B; plus strand). Cytogenetic location: 11p15.2.
Variant type: single nucleotide variant.
Coding change: c.235T>A on transcript NM_024514.5 (MANE Select); coding-DNA position 235, T replaced by A.
Protein change: p.Leu79Ile; replaces leucine 79 with isoleucine.
Molecular consequence: missense variant. On other transcripts: 5 prime UTR variant (4).
Genome position (GRCh38, 1-based): chr11:14,885,908, A>T on the plus strand (T>A on the coding strand, the complement: CYP2R1 is on the minus strand). VCF-style: chr11-14885908-A-T. GRCh37 (hg19) VCF-style: chr11-14907454-A-T.
Other names: c.-111T>A (NM_001377214.1, NM_001377215.1, NM_001377216.1 and 1 more transcripts); c.73T>A, p.Leu25Ile (NM_001377217.1); short protein forms L25I, L79I.
Identifiers: ClinVar variation 847396 (VCV000847396.8), dbSNP rs782776278, ClinGen allele CA5896732.